The following is an entry in ClinVar:

ClinVar aggregate classification (germline): Pathogenic. Review status: criteria provided, multiple submitters, no conflicts (2 of 4 stars). 2 submissions from 2 submitters: Pathogenic (2). Last evaluated 2024-12-04.

Conditions:
Familial adenomatous polyposis 1 (FAP1). Also called: POLYPOSIS, ADENOMATOUS INTESTINAL; FAMILIAL ADENOMATOUS POLYPOSIS 1, ATTENUATED. Identifiers: MedGen C2713442, MONDO:0021056, OMIM 175100. Disease mechanism: loss of function.

Submissions (2):

Labcorp Genetics (formerly Invitae), Labcorp
Classification: Pathogenic for Familial adenomatous polyposis 1. Last evaluated: 2024-12-04. Review status: criteria provided, single submitter. Criteria: Invitae Variant Classification Sherloc (09022015). Collection method: clinical testing. Allele origin: germline.
Comment: This sequence change creates a premature translational stop signal (p.Ser1811*) in the APC gene. While this is not anticipated to result in nonsense mediated decay, it is expected to disrupt the last 1033 amino acid(s) of the APC protein. This variant is not present in population databases (gnomAD no frequency). This variant has not been reported in the literature in individuals affected with APC-related conditions. ClinVar contains an entry for this variant (Variation ID: 960787). This variant is expected to disrupt the EB1 and HDLG binding sites, which mediate interactions with the cytoskeleton (PMID: 15311282, 17293347). While functional studies have not been performed to directly test the effect on APC protein function, this suggests that disruption of the C-terminal portion of the protein is functionally important. A different truncation (p.Tyr2645Lysfs*14) that lies downstream of this variant has been determined to be pathogenic (PMID: 9824584, 1316610, 27081525, 8381579, 22135120, internal data). This suggests that deletion of this region of the APC protein is causative of disease. For these reasons, this variant has been classified as Pathogenic.

Myriad Genetics, Inc.
Classification: Pathogenic for Familial adenomatous polyposis 1. Last evaluated: 2023-05-12. Review status: criteria provided, single submitter. Criteria: Myriad Autosomal Dominant, Autosomal Recessive and X-Linked Classification Criteria (2023). Collection method: clinical testing. Allele origin: unknown.
Comment: This variant is considered pathogenic. This variant creates a termination codon and is predicted to result in premature protein truncation.

Literature cited by the submitters: PubMed 15311282 (cited by Labcorp Genetics (formerly Invitae), Labcorp); PubMed 17293347 (cited by Labcorp Genetics (formerly Invitae), Labcorp); PubMed 9824584 (cited by Labcorp Genetics (formerly Invitae), Labcorp); PubMed 1316610 (cited by Labcorp Genetics (formerly Invitae), Labcorp); PubMed 27081525 (cited by Labcorp Genetics (formerly Invitae), Labcorp); PubMed 8381579 (cited by Labcorp Genetics (formerly Invitae), Labcorp); PubMed 22135120 (cited by Labcorp Genetics (formerly Invitae), Labcorp).

NM_000038.6(APC):c.5432C>G (p.Ser1811Ter)

Gene: APC (APC regulator of Wnt signaling pathway; plus strand). Cytogenetic location: 5q22.2.
Variant type: single nucleotide variant.
Coding change: c.5432C>G on transcript NM_000038.6 (MANE Select); coding-DNA position 5432, C replaced by G.
Protein change: p.Ser1811Ter; replaces serine 1811 with a stop codon.
Molecular consequence: nonsense.
Genome position (GRCh38, 1-based): chr5:112,841,026, C>G. VCF-style: chr5-112841026-C-G. GRCh37 (hg19) VCF-style: chr5-112176723-C-G.
Other names: c.5432C>G, p.Ser1811Ter (NM_001127510.3, NM_001354895.2); c.5378C>G, p.Ser1793Ter (NM_001127511.3); c.5486C>G, p.Ser1829Ter (NM_001354896.2); c.5462C>G, p.Ser1821Ter (NM_001354897.2); c.5357C>G, p.Ser1786Ter (NM_001354898.2); c.5348C>G, p.Ser1783Ter (NM_001354899.2); c.5309C>G, p.Ser1770Ter (NM_001354900.2); c.5255C>G, p.Ser1752Ter (NM_001354901.2); and 5 more; short protein forms S1720*, S1528*, S1752*, S1793*, S1770*, S1829*, S1651*, S1685*.
Identifiers: ClinVar variation 960787 (VCV000960787.10), dbSNP rs1060503325, ClinGen allele CA16033207.